The following is an entry in ClinVar:

NM_021927.3(GUF1):c.275C>A (p.Thr92Lys)

Gene: GUF1 (GTP binding elongation factor GUF1; plus strand). Cytogenetic location: 4p12.
Variant type: single nucleotide variant.
Coding change: c.275C>A on transcript NM_021927.3 (MANE Select); coding-DNA position 275, C replaced by A.
Protein change: p.Thr92Lys; replaces threonine 92 with lysine.
Molecular consequence: missense variant. On other transcripts: 5 prime UTR variant (1), intron variant (1).
Genome position (GRCh38, 1-based): chr4:44,680,550, C>A. VCF-style: chr4-44680550-C-A. GRCh37 (hg19) VCF-style: chr4-44682567-C-A.
Other names: c.-694C>A (NM_001345867.2); c.275C>A, p.Thr92Lys (NM_001345868.2); c.-695-144C>A (NM_001345869.2); short protein forms T92K.
Identifiers: ClinVar variation 2114102 (VCV002114102.4), dbSNP rs749713534, ClinGen allele CA356760793.

ClinVar aggregate classification (germline): Uncertain significance (1 of 4 stars; one submission).

gnomAD v4.1: 1 of 1,588,626 alleles (0.000063%); highest among the groups gnomAD compares: Non-Finnish European, 0.000086%; no homozygotes.

Submission:

Labcorp Genetics (formerly Invitae), Labcorp
Classification: Uncertain significance. Last evaluated: 2022-03-19. Review status: criteria provided, single submitter. Criteria: Invitae Variant Classification Sherloc (09022015). Collection method: clinical testing. Allele origin: germline.
Comment: This sequence change replaces threonine, which is neutral and polar, with lysine, which is basic and polar, at codon 92 of the GUF1 protein (p.Thr92Lys). In summary, the available evidence is currently insufficient to determine the role of this variant in disease. Therefore, it has been classified as a Variant of Uncertain Significance. This variant has not been reported in the literature in individuals affected with GUF1-related conditions. This variant is present in population databases (no rsID available, gnomAD 0.002%). Algorithms developed to predict the effect of missense changes on protein structure and function are either unavailable or do not agree on the potential impact of this missense change (SIFT: "Deleterious"; PolyPhen-2: "Probably Damaging"; Align-GVGD: "Class C0").